The following is an entry in ClinVar:

NM_000059.4(BRCA2):c.6914A>T (p.Lys2305Met)

Gene: BRCA2 (BRCA2 DNA repair associated; plus strand). Cytogenetic location: 13q13.1.
Variant type: single nucleotide variant.
Coding change: c.6914A>T on transcript NM_000059.4 (MANE Select); coding-DNA position 6914, A replaced by T.
Protein change: p.Lys2305Met; replaces lysine 2305 with methionine.
Molecular consequence: missense variant.
Genome position (GRCh38, 1-based): chr13:32,344,630, A>T. VCF-style: chr13-32344630-A-T. GRCh37 (hg19) VCF-style: chr13-32918767-A-T.
Other names: short protein forms K2305M.
Identifiers: ClinVar variation 638833 (VCV000638833.9), dbSNP rs876658476, ClinGen allele CA387792903.

ClinVar aggregate classification (germline): Uncertain significance (1 of 4 stars; one submission).

Conditions:
Hereditary breast ovarian cancer syndrome. Also called: Hereditary breast and ovarian cancer; Hereditary breast and ovarian cancer syndrome (HBOC); BRCA1- and BRCA2-Associated Hereditary Breast and Ovarian Cancer; Hereditary breast and ovarian cancer syndrome; Hereditary breast and/or ovarian cancer syndrome; Breast and ovarian cancer. Identifiers: Orphanet 145, MedGen C0677776, MeSH D061325, MONDO:0003582. Disease mechanism: loss of function.

Submission:

Labcorp Genetics (formerly Invitae), Labcorp
Classification: Uncertain significance for Hereditary breast ovarian cancer syndrome. Last evaluated: 2018-12-06. Review status: criteria provided, single submitter. Criteria: Invitae Variant Classification Sherloc (09022015). Collection method: clinical testing. Allele origin: germline.
Comment: In summary, the available evidence is currently insufficient to determine the role of this variant in disease. Therefore, it has been classified as a Variant of Uncertain Significance. Algorithms developed to predict the effect of missense changes on protein structure and function are either unavailable or do not agree on the potential impact of this missense change (SIFT: "Tolerated"; PolyPhen-2: "Probably Damaging"; Align-GVGD: "Class C0"). This variant has not been reported in the literature in individuals with BRCA2-related conditions. This variant is not present in population databases (ExAC no frequency). This sequence change replaces lysine with methionine at codon 2305 of the BRCA2 protein (p.Lys2305Met). The lysine residue is moderately conserved and there is a moderate physicochemical difference between lysine and methionine.